The following is an entry in ClinVar:

NM_000553.6(WRN):c.758A>G (p.Gln253Arg)

Gene: WRN (WRN RecQ like helicase; plus strand). Cytogenetic location: 8p12.
Variant type: single nucleotide variant.
Coding change: c.758A>G on transcript NM_000553.6 (MANE Select); coding-DNA position 758, A replaced by G.
Protein change: p.Gln253Arg; replaces glutamine 253 with arginine.
Molecular consequence: missense variant.
Genome position (GRCh38, 1-based): chr8:31,076,206, A>G. VCF-style: chr8-31076206-A-G. GRCh37 (hg19) VCF-style: chr8-30933722-A-G.
Other names: short protein forms Q253R.
Identifiers: ClinVar variation 1062057 (VCV001062057.5), dbSNP rs2130094725, ClinGen allele CA370918429.

ClinVar aggregate classification (germline): Uncertain significance (1 of 4 stars; one submission).

Conditions:
Werner syndrome (WRN). Identifiers: Orphanet 902, MedGen C0043119, MONDO:0010196, OMIM 277700.

Submission:

Labcorp Genetics (formerly Invitae), Labcorp
Classification: Uncertain significance for Werner syndrome. Last evaluated: 2025-07-07. Review status: criteria provided, single submitter. Criteria: Invitae Variant Classification Sherloc (09022015). Collection method: clinical testing. Allele origin: germline.
Comment: This sequence change replaces glutamine, which is neutral and polar, with arginine, which is basic and polar, at codon 253 of the WRN protein (p.Gln253Arg). This variant is not present in population databases (gnomAD no frequency). This variant has not been reported in the literature in individuals affected with WRN-related conditions. ClinVar contains an entry for this variant (Variation ID: 1062057). An algorithm developed to predict the effect of missense changes on protein structure and function (PolyPhen-2) suggests that this variant is likely to be tolerated. In summary, the available evidence is currently insufficient to determine the role of this variant in disease. Therefore, it has been classified as a Variant of Uncertain Significance.